The following is an entry in ClinVar:

ClinVar aggregate classification (germline): Conflicting classifications of pathogenicity. Review status: criteria provided, conflicting classifications (1 of 4 stars). 2 submissions from 2 submitters: Uncertain significance (1); Likely benign (1). Last evaluated 2022-10-01.

Allele frequency attached by ClinVar (database versions not stated): gnomAD exomes below 0.00001; gnomAD 0.00001; TOPMed 0.00001.
gnomAD v4.1: 4 of 1,614,092 alleles (0.00025%); highest among the groups gnomAD compares: Non-Finnish European, 0.00034%; no homozygotes.

Submissions (2):

CeGaT Center for Human Genetics Tuebingen
Classification: Likely benign. Last evaluated: 2022-10-01. Review status: criteria provided, single submitter. Criteria: CeGaT Center For Human Genetics Tuebingen Variant Classification Criteria Version 2. Collection method: clinical testing. Allele origin: germline. Affected: yes. Observed: 1 variant allele.
Comment: MCM3AP: BP4

Labcorp Genetics (formerly Invitae), Labcorp
Classification: Uncertain significance. Last evaluated: 2022-03-13. Review status: criteria provided, single submitter. Criteria: Invitae Variant Classification Sherloc (09022015). Collection method: clinical testing. Allele origin: germline.
Comment: Algorithms developed to predict the effect of missense changes on protein structure and function output the following: SIFT: "Tolerated"; PolyPhen-2: "Benign"; Align-GVGD: "Class C0". The isoleucine amino acid residue is found in multiple mammalian species, which suggests that this missense change does not adversely affect protein function. This variant has not been reported in the literature in individuals affected with MCM3AP-related conditions. This variant is present in population databases (no rsID available, gnomAD 0.007%). This sequence change replaces valine, which is neutral and non-polar, with isoleucine, which is neutral and non-polar, at codon 798 of the MCM3AP protein (p.Val798Ile). In summary, the available evidence is currently insufficient to determine the role of this variant in disease. Therefore, it has been classified as a Variant of Uncertain Significance.

NM_003906.5(MCM3AP):c.2392G>A (p.Val798Ile)

Gene: MCM3AP (minichromosome maintenance complex component 3 associated protein; minus strand). Cytogenetic location: 21q22.3.
Variant type: single nucleotide variant.
Coding change: c.2392G>A on transcript NM_003906.5 (MANE Select); coding-DNA position 2392, G replaced by A.
Protein change: p.Val798Ile; replaces valine 798 with isoleucine.
Molecular consequence: missense variant.
Genome position (GRCh38, 1-based): chr21:46,272,634, C>T on the plus strand (G>A on the coding strand, the complement: MCM3AP is on the minus strand). VCF-style: chr21-46272634-C-T. GRCh37 (hg19) VCF-style: chr21-47692548-C-T.
Other names: short protein forms V798I.
Identifiers: ClinVar variation 1879546 (VCV001879546.34), dbSNP rs1399310620, ClinGen allele CA410523929.
Genomic context (GRCh38, chr21:46,272,634, plus strand): 5'-CCTTGTTGAGACTGAGCAGAACATTGTAGCCCTGGAACTCCGCTTCGCTGGCACAGAAGA[C>T]ACCCTTGTTTCTCAGGTCCTGGTACATCTCCTTCAGGCTCTGCAGGCACTTGGTCATGTT-3'
Protein context (NP_003897.2, residues 788-808): EMYQDLRNKG[Val798Ile]FCASEAEFQG